The following is an entry in ClinVar:

ClinVar aggregate classification (germline): Pathogenic/Likely pathogenic. Review status: criteria provided, multiple submitters, no conflicts (2 of 4 stars). 2 submissions from 2 submitters: Pathogenic (1); Likely pathogenic (1). Last evaluated 2026-01-01.

Conditions:
Aicardi-Goutieres syndrome 5. Identifiers: Orphanet 51, MedGen C2749659, MONDO:0013059, OMIM 612952.
Chilblain lupus 2 (CHBL2). Identifiers: MedGen C3280721, MONDO:0013739, OMIM 614415.

Submissions (2):

Labcorp Genetics (formerly Invitae), Labcorp
Classification: Pathogenic for Aicardi-Goutieres syndrome 5. Last evaluated: 2026-01-01. Review status: criteria provided, single submitter. Criteria: Invitae Variant Classification Sherloc (09022015). Collection method: clinical testing. Allele origin: germline.
Comment: This sequence change creates a premature translational stop signal (p.Ile222Leufs*5) in the SAMHD1 gene. It is expected to result in an absent or disrupted protein product. Loss-of-function variants in SAMHD1 are known to be pathogenic (PMID: 19525956, 22461318). This variant is not present in population databases (gnomAD no frequency). This variant has not been reported in the literature in individuals affected with SAMHD1-related conditions. ClinVar contains an entry for this variant (Variation ID: 3587213). For these reasons, this variant has been classified as Pathogenic.

Fulgent Genetics
Classification: Likely pathogenic for Aicardi-Goutieres syndrome 5; Chilblain lupus 2. Last evaluated: 2024-06-17. Review status: criteria provided, single submitter. Criteria: ACMG Guidelines, 2015. Collection method: clinical testing. Allele origin: germline.

Literature cited by the submitters: PubMed 19525956 (cited by Labcorp Genetics (formerly Invitae), Labcorp); PubMed 22461318 (cited by Labcorp Genetics (formerly Invitae), Labcorp).

NM_015474.4(SAMHD1):c.664_673del (p.Ile222fs)

Gene: SAMHD1 (SAM and HD domain containing deoxynucleoside triphosphate triphosphohydrolase 1; minus strand). Cytogenetic location: 20q11.23.
Variant type: Deletion.
Coding change: c.664_673del on transcript NM_015474.4 (MANE Select); coding-DNA positions 664 to 673, 10 bases deleted (ATTCCACTTG; older notation c.664_673delATTCCACTTG).
Protein change: p.Ile222fs; shifts the reading frame from isoleucine 222.
Molecular consequence: frameshift variant.
Genome position (GRCh38, 1-based): chr20:36,927,205-36,927,214, CAAGTGGAAT deleted on the plus strand (ATTCCACTTG on the coding strand, the reverse complement: SAMHD1 is on the minus strand). VCF-style (leftmost placement, unchanged base first): chr20-36927204-GCAAGTGGAAT-G. GRCh37 (hg19) VCF-style: chr20-35555607-GCAAGTGGAAT-G.
Other names: c.664_673del, p.Ile222fs (NM_001363729.2, NM_001363733.2); short protein forms I222fs.
Identifiers: ClinVar variation 3587213 (VCV003587213.3).